The following is an entry in ClinVar:

NM_000245.4(MET):c.2104G>A (p.Val702Met)

Gene: MET (MET proto-oncogene, receptor tyrosine kinase; plus strand). Cytogenetic location: 7q31.2.
Variant type: single nucleotide variant.
Coding change: c.2104G>A on transcript NM_000245.4 (MANE Select); coding-DNA position 2104, G replaced by A.
Protein change: p.Val702Met; replaces valine 702 with methionine.
Molecular consequence: missense variant.
Genome position (GRCh38, 1-based): chr7:116,758,460, G>A. VCF-style: chr7-116758460-G-A. GRCh37 (hg19) VCF-style: chr7-116398514-G-A.
Other names: c.2104G>A, p.Val702Met (NM_001127500.3, NM_001324401.3); c.814G>A, p.Val272Met (NM_001324402.2); short protein forms V702M, V272M.
Identifiers: ClinVar variation 3872326 (VCV003872326.1).

ClinVar aggregate classification (germline): Uncertain significance (1 of 4 stars; one submission).

Conditions:
Hereditary cancer-predisposing syndrome. Also called: Tumor predisposition; Neoplastic Syndromes, Hereditary; Hereditary Cancer Syndrome; Hereditary neoplastic syndrome. Identifiers: Orphanet 140162, MedGen C0027672, MeSH D009386, MONDO:0015356.

gnomAD v4.1: 1 of 1,613,216 alleles (0.000062%); highest among the groups gnomAD compares: Non-Finnish European, 0.000085%; no homozygotes.

Submission:

Ambry Genetics
Classification: Uncertain significance for Hereditary cancer-predisposing syndrome. Last evaluated: 2025-03-02. Review status: criteria provided, single submitter. Criteria: Ambry Variant Classification Scheme 2023. Collection method: clinical testing. Allele origin: germline.
Comment: The p.V702M variant (also known as c.2104G>A), located in coding exon 8 of the MET gene, results from a G to A substitution at nucleotide position 2104. The valine at codon 702 is replaced by methionine, an amino acid with highly similar properties. This amino acid position is conserved. In addition, this alteration is predicted to be tolerated by in silico analysis. Based on the available evidence, the clinical significance of this variant remains unclear.